The following is an entry in ClinVar:

NM_031483.7(ITCH):c.1535C>T (p.Thr512Ile)

Gene: ITCH (itchy E3 ubiquitin protein ligase; plus strand). Cytogenetic location: 20q11.22.
Variant type: single nucleotide variant.
Coding change: c.1535C>T on transcript NM_031483.7 (MANE Select); coding-DNA position 1535, C replaced by T.
Protein change: p.Thr512Ile; replaces threonine 512 with isoleucine.
Molecular consequence: missense variant.
Genome position (GRCh38, 1-based): chr20:34,471,481, C>T. VCF-style: chr20-34471481-C-T. GRCh37 (hg19) VCF-style: chr20-33059286-C-T.
Other names: c.1658C>T, p.Thr553Ile (NM_001257137.3, NM_001324197.2); c.1205C>T, p.Thr402Ile (NM_001257138.3); c.1535C>T, p.Thr512Ile (NM_001324198.2); short protein forms T402I, T512I, T553I.
Identifiers: ClinVar variation 955095 (VCV000955095.8), dbSNP rs1987613222, ClinGen allele CA408668186.
Genomic context (GRCh38, chr20:34,471,481, plus strand): 5'-CTTAAGTCATTCTTCTATTTCAGCAACTGGCCATGCCACAGCACATAAAGATTACAGTGA[C>T]AAGAAAAACATTGTTTGAGGATTCCTTTCAACAGGTACTGTTTCATTCTCTCAATAATTT-3'
Protein context (NP_113671.3, residues 502-522): AMPQHIKITV[Thr512Ile]RKTLFEDSFQ

ClinVar aggregate classification (germline): Uncertain significance (1 of 4 stars; one submission).

Conditions:
Syndromic multisystem autoimmune disease due to ITCH deficiency. Also called: AUTOIMMUNE DISEASE, MULTISYSTEM, WITH FACIAL DYSMORPHISM. Identifiers: Orphanet 228426, MedGen C3150649, MONDO:0013245, OMIM 613385.

Submission:

Labcorp Genetics (formerly Invitae), Labcorp
Classification: Uncertain significance for Syndromic multisystem autoimmune disease due to ITCH deficiency. Last evaluated: 2019-08-18. Review status: criteria provided, single submitter. Criteria: Invitae Variant Classification Sherloc (09022015). Collection method: clinical testing. Allele origin: germline.
Comment: In summary, the available evidence is currently insufficient to determine the role of this variant in disease. Therefore, it has been classified as a Variant of Uncertain Significance. Algorithms developed to predict the effect of missense changes on protein structure and function (SIFT, PolyPhen-2, Align-GVGD) all suggest that this variant is likely to be tolerated, but these predictions have not been confirmed by published functional studies and their clinical significance is uncertain. This variant has not been reported in the literature in individuals with ITCH-related conditions. This variant is not present in population databases (ExAC no frequency). This sequence change replaces threonine with isoleucine at codon 512 of the ITCH protein (p.Thr512Ile). The threonine residue is moderately conserved and there is a moderate physicochemical difference between threonine and isoleucine.